The following is an entry in ClinVar:

NM_003743.5(NCOA1):c.2137G>T (p.Asp713Tyr)

Gene: NCOA1 (nuclear receptor coactivator 1; plus strand). Cytogenetic location: 2p23.3.
Variant type: single nucleotide variant.
Coding change: c.2137G>T on transcript NM_003743.5 (MANE Select); coding-DNA position 2137, G replaced by T.
Protein change: p.Asp713Tyr; replaces aspartic acid 713 with tyrosine.
Molecular consequence: missense variant.
Genome position (GRCh38, 1-based): chr2:24,707,607, G>T. VCF-style: chr2-24707607-G-T. GRCh37 (hg19) VCF-style: chr2-24930476-G-T.
Other names: c.2137G>T, p.Asp713Tyr (NM_001362950.1, NM_001362952.1, NM_001362954.1 and 3 more transcripts); short protein forms D713Y.
Identifiers: ClinVar variation 3355502 (VCV003355502.1).

ClinVar aggregate classification (germline): Uncertain significance (0 of 4 stars; one submission).

Conditions:
NCOA1-related disorder. Also called: NCOA1-related condition.

gnomAD v4.1: 1 of 1,614,174 alleles (0.000062%); highest among the groups gnomAD compares: Non-Finnish European, 0.000085%; no homozygotes.

Submission:

PreventionGenetics, part of Exact Sciences
Classification: Uncertain significance for NCOA1-related condition. Last evaluated: 2024-06-27. Review status: no assertion criteria provided. Collection method: clinical testing. Allele origin: germline.
Comment: The NCOA1 c.2137G>T variant is predicted to result in the amino acid substitution p.Asp713Tyr. To our knowledge, this variant has not been reported in the literature or in a large population database, indicating this variant is rare. At this time, the clinical significance of this variant is uncertain due to the absence of conclusive functional and genetic evidence.